The following is an entry in ClinVar:

ClinVar aggregate classification (germline): Uncertain significance (1 of 4 stars; one submission).

Conditions:
Mucolipidosis type IV (ML4). Also called: ML IV. Identifiers: Orphanet 578, MedGen C0238286, MONDO:0009653, OMIM 252650.

Submission:

Kasturba Medical College, Manipal, Kasturba Medical College, Manipal, Manipal Academy of Higher Education, Manipal, India
Classification: Uncertain significance for Mucolipidosis type IV. Review status: criteria provided, single submitter. Criteria: ACMG Guidelines, 2015. Collection method: clinical testing. Allele origin: biparental. Inheritance: Autosomal recessive inheritance. Affected: yes. Observed: 1 homozygote.
Comment: Thus, the above-mentioned variant in homozygous state is interpreted to be the probable cause for the condition observed in the proband and his brother.

NM_020533.3(MCOLN1):c.877+4A>G

Gene: MCOLN1 (mucolipin TRP cation channel 1; plus strand). Cytogenetic location: 19p13.2.
Variant type: single nucleotide variant.
Coding change: c.877+4A>G on transcript NM_020533.3 (MANE Select); 4 bases into the intron after coding-DNA position 877, A replaced by G.
Molecular consequence: intron variant.
Genome position (GRCh38, 1-based): chr19:7,528,261, A>G. VCF-style: chr19-7528261-A-G. GRCh37 (hg19) VCF-style: chr19-7593147-A-G.
Identifiers: ClinVar variation 3379369 (VCV003379369.2).